The following is an entry in ClinVar:

ClinVar aggregate classification (germline): Uncertain significance (1 of 4 stars; one submission).

Conditions:
Inborn genetic diseases. Identifiers: MedGen C0950123, MeSH D030342.

gnomAD v4.1: 1 of 1,613,824 alleles (0.000062%); highest among the groups gnomAD compares: African/African-American, 0.0013%; no homozygotes.

Submission:

Ambry Genetics
Classification: Uncertain significance for Inborn genetic diseases. Last evaluated: 2025-08-02. Review status: criteria provided, single submitter. Criteria: Ambry Variant Classification Scheme 2023. Collection method: clinical testing. Allele origin: germline.
Comment: The p.A264T variant (also known as c.790G>A), located in coding exon 7 of the HAX1 gene, results from a G to A substitution at nucleotide position 790. The alanine at codon 264 is replaced by threonine, an amino acid with similar properties. This amino acid position is conserved. In addition, this alteration is predicted to be tolerated by in silico analysis. Based on the available evidence, the clinical significance of this variant remains unclear.

NM_006118.4(HAX1):c.790G>A (p.Ala264Thr)

Gene: HAX1 (HCLS1 associated protein X-1; plus strand). Cytogenetic location: 1q21.3.
Variant type: single nucleotide variant.
Coding change: c.790G>A on transcript NM_006118.4 (MANE Select); coding-DNA position 790, G replaced by A.
Protein change: p.Ala264Thr; replaces alanine 264 with threonine.
Molecular consequence: missense variant.
Genome position (GRCh38, 1-based): chr1:154,275,651, G>A. VCF-style: chr1-154275651-G-A. GRCh37 (hg19) VCF-style: chr1-154248127-G-A.
Other names: c.646G>A, p.Ala216Thr (NM_001018837.2); short protein forms A264T, A216T.
Identifiers: ClinVar variation 4269040 (VCV004269040.1).